The following is an entry in ClinVar:

NM_005334.3(HCFC1):c.5912T>A (p.Ile1971Asn)

Gene: HCFC1 (host cell factor C1; minus strand). Cytogenetic location: Xq28.
Variant type: single nucleotide variant.
Coding change: c.5912T>A on transcript NM_005334.3 (MANE Select); coding-DNA position 5912, T replaced by A.
Protein change: p.Ile1971Asn; replaces isoleucine 1971 with asparagine.
Molecular consequence: missense variant.
Genome position (GRCh38, 1-based): chrX:153,950,335, A>T on the plus strand (T>A on the coding strand, the complement: HCFC1 is on the minus strand). VCF-style: chrX-153950335-A-T. GRCh37 (hg19) VCF-style: chrX-153215786-A-T.
Other names: c.6047T>A, p.Ile2016Asn (NM_001410705.1); c.6053T>A, p.Ile2018Asn (NM_001440843.1); c.6044T>A, p.Ile2015Asn (NM_001440844.1, NM_001440845.1); c.6041T>A, p.Ile2014Asn (NM_001440846.1); c.5924T>A, p.Ile1975Asn (NM_001440847.1); c.5921T>A, p.Ile1974Asn (NM_001440848.1); c.5915T>A, p.Ile1972Asn (NM_001440849.1); c.5846T>A, p.Ile1949Asn (NM_001440850.1); and 1 more; short protein forms I1905N, I1949N, I1971N, I1972N, I1974N, I1975N, I2014N, I2015N.
Identifiers: ClinVar variation 4855863 (VCV004855863.1).

ClinVar aggregate classification (germline): Uncertain significance (1 of 4 stars; one submission).

Conditions:
Methylmalonic acidemia with homocystinuria, type cblX (MAHCX). Also called: INTELLECTUAL DEVELOPMENTAL DISORDER, X-LINKED 3. Identifiers: Orphanet 369962, MedGen C0796208, MONDO:0010657, OMIM 309541.

Submission:

3billion
Classification: Uncertain significance for Methylmalonic acidemia with homocystinuria, type cblX. Last evaluated: 2025-05-30. Review status: criteria provided, single submitter. Criteria: ACMG Guidelines, 2015. Collection method: clinical testing. Allele origin: germline. Affected: yes.
Comment: The variant is not observed in the gnomAD v4.1.0 dataset. Predicted Consequence/Location: Missense variant. Missense changes are a common disease-causing mechanism. Therefore, this variant is classified as VUS according to the recommendation of ACMG/AMP guideline.